The following is an entry in ClinVar:

NM_020975.6(RET):c.2298G>A (p.Pro766=)

Gene: RET (ret proto-oncogene; plus strand). Cytogenetic location: 10q11.21.
Variant type: single nucleotide variant.
Coding change: c.2298G>A on transcript NM_020975.6 (MANE Select); coding-DNA position 2298, G replaced by A.
Protein change: p.Pro766=; no amino-acid change (proline 766 retained).
Molecular consequence: synonymous variant.
Genome position (GRCh38, 1-based): chr10:43,118,386, G>A. VCF-style: chr10-43118386-G-A. GRCh37 (hg19) VCF-style: chr10-43613834-G-A.
Other names: c.2298G>A, p.Pro766= (NM_000323.2, NM_001406743.1, NM_001406744.1 and 4 more transcripts); c.1536G>A, p.Pro512= (NM_001355216.2); c.2169G>A, p.Pro723= (NM_001406761.1, NM_001406762.1, NM_001406764.1); c.2163G>A, p.Pro721= (NM_001406763.1, NM_001406765.1); c.2010G>A, p.Pro670= (NM_001406766.1, NM_001406767.1, NM_001406770.1); c.2034G>A, p.Pro678= (NM_001406768.1); c.1902G>A, p.Pro634= (NM_001406769.1, NM_001406772.1); c.1860G>A, p.Pro620= (NM_001406771.1, NM_001406773.1); and 10 more.
Identifiers: ClinVar variation 220687 (VCV000220687.48), dbSNP rs140658743, ClinGen allele CA038450.

ClinVar aggregate classification (germline): Conflicting classifications of pathogenicity. Review status: criteria provided, conflicting classifications (1 of 4 stars). 14 submissions from 13 submitters: Uncertain significance (2); Benign (1); Likely benign (8). 3 of the submissions do not count toward it. Last evaluated 2026-01-19.

Conditions:
Familial hyperparathyroidism or Hypocalciuric hypercalcaemia.
RET-related disorder. Also called: RET-related condition; RET-related disease; RET-related disorders.
Hereditary cancer-predisposing syndrome. Also called: Neoplastic Syndromes, Hereditary; Hereditary Cancer Syndrome; Tumor predisposition; Hereditary neoplastic syndrome. Identifiers: Orphanet 140162, MedGen C0027672, MeSH D009386, MONDO:0015356.
Multiple endocrine neoplasia, type 2 (MEN2). Identifiers: Orphanet 653, MedGen C4048306, MONDO:0019003. Disease mechanism: gain of function.
Multiple endocrine neoplasia type 2A. Also called: MULTIPLE ENDOCRINE NEOPLASIA, TYPE IIA; PTC SYNDROME; SIPPLE SYNDROME; MEN 2A; MEN-2A syndrome; Pheochromocytoma and amyloid producing medullary thyroid carcinoma. Identifiers: Orphanet 247698, Orphanet 653, MedGen C0025268, MeSH D018813, MONDO:0008234, OMIM 171400.
Multiple endocrine neoplasia type 2B. Also called: MEN 2B; MUCOSAL NEUROMA SYNDROME; MEN IIB; NEUROMATA, MUCOSAL, WITH ENDOCRINE TUMORS; WAGENMANN-FROBOESE SYNDROME; MULTIPLE ENDOCRINE NEOPLASIA, TYPE III. Identifiers: Orphanet 247709, Orphanet 653, MedGen C0025269, MeSH D018814, MONDO:0008082, OMIM 162300.

Allele frequency attached by ClinVar (database versions not stated): gnomAD 0.00003 and 0.00004; ESP Exome Variant Server 0.00008; TOPMed 0.00009.
gnomAD v4.1: 89 of 1,613,860 alleles (0.0055%); highest among the groups gnomAD compares: South Asian, 0.014%; no homozygotes.

Submissions (14):

Labcorp Genetics (formerly Invitae), Labcorp
Classification: Likely benign for Multiple endocrine neoplasia, type 2. Last evaluated: 2026-01-19. Review status: criteria provided, single submitter. Criteria: Invitae Variant Classification Sherloc (09022015). Collection method: clinical testing. Allele origin: germline.

Cambridge Genomics Laboratory, East Genomic Laboratory Hub, NHS Genomic Medicine Service
Classification: Uncertain significance for Familial hyperparathyroidism or Hypocalciuric hypercalcaemia. Last evaluated: 2026-01-08. Review status: criteria provided, single submitter. Criteria: ACGS Best Practice Guidelines for Variant Classification in Rare Disease 2020. Collection method: clinical testing. Allele origin: germline. Affected: yes.

ARUP Laboratories, Molecular Genetics and Genomics, ARUP Laboratories
Classification: Likely benign. Last evaluated: 2024-10-02. Review status: criteria provided, single submitter. Criteria: ARUP Molecular Germline Variant Investigation Process 2024. Collection method: clinical testing. Allele origin: germline.

Ambry Genetics
Classification: Likely benign for Hereditary cancer-predisposing syndrome. Last evaluated: 2023-10-16. Review status: criteria provided, single submitter. Criteria: Ambry Variant Classification Scheme 2023. Collection method: clinical testing. Allele origin: germline.

KCCC/NGS Laboratory, Kuwait Cancer Control Center
Classification: Likely benign for Multiple endocrine neoplasia type 2B. Last evaluated: 2023-07-07. Review status: criteria provided, single submitter. Criteria: ACMG Guidelines, 2015. Collection method: clinical testing. Allele origin: germline. Affected: yes.

CeGaT Center for Human Genetics Tuebingen
Classification: Likely benign. Last evaluated: 2023-05-01. Review status: criteria provided, single submitter. Criteria: CeGaT Center For Human Genetics Tuebingen Variant Classification Criteria Version 2. Collection method: clinical testing. Allele origin: germline. Affected: yes. Observed: 1 variant allele.
Comment: RET: BP4, BP7

Myriad Genetics, Inc.
Classification: Benign for Multiple endocrine neoplasia type 2A. Last evaluated: 2023-04-18. Review status: criteria provided, single submitter. Criteria: Myriad Autosomal Dominant, Autosomal Recessive and X-Linked Classification Criteria (2023). Collection method: clinical testing. Allele origin: unknown.
Comment: This variant is considered benign. This variant is a silent/synonymous amino acid change and it is not expected to impact splicing.

Blueprint Genetics
Classification: Likely benign. Last evaluated: 2023-03-14. Review status: criteria provided, single submitter. Criteria: ACMG Guidelines, 2015. Collection method: clinical testing. Allele origin: germline.

Color Diagnostics, LLC DBA Color Health
Classification: Likely benign for Multiple endocrine neoplasia, type 2. Last evaluated: 2023-02-22. Review status: criteria provided, single submitter. Criteria: ACMG Guidelines, 2015. Collection method: clinical testing. Allele origin: germline.

Sema4
Classification: Likely benign for Hereditary cancer-predisposing syndrome. Last evaluated: 2022-01-07. Review status: criteria provided, single submitter. Criteria: Sema4 Curation Guidelines. Collection method: curation. Allele origin: germline.

GeneDx
Classification: Uncertain significance. Last evaluated: 2021-10-25. Review status: criteria provided, single submitter. Criteria: GeneDx Variant Classification Process June 2021. Collection method: clinical testing. Allele origin: germline. Affected: yes.
Comment: In-silico analysis is inconclusive as to whether the variant alters gene splicing. In the absence of RNA/functional studies, the actual effect of this sequence change is unknown.; Observed in an individual with Hirschsprung disease (Jannot et al., 2012); This variant is associated with the following publications: (PMID: 28873162, 22395866)

PreventionGenetics, part of Exact Sciences
Classification: Likely benign for RET-related condition. Last evaluated: 2024-03-21. Review status: no assertion criteria provided. Collection method: clinical testing. Allele origin: germline. Not counted in ClinVar's aggregate classification.
Comment: This variant is classified as likely benign based on ACMG/AMP sequence variant interpretation guidelines (Richards et al. 2015 PMID: 25741868, with internal and published modifications).

Counsyl
Classification: Likely benign for Multiple endocrine neoplasia type 2B. Last evaluated: 2016-09-12. Review status: no assertion criteria provided. Collection method: clinical testing. Allele origin: unknown. Not counted in ClinVar's aggregate classification.

Counsyl
Classification: Likely benign for Multiple endocrine neoplasia type 2A. Last evaluated: 2016-09-12. Review status: no assertion criteria provided. Collection method: clinical testing. Allele origin: unknown. Not counted in ClinVar's aggregate classification.

Literature cited by the submitters: PubMed 22395866 (cited by Sema4 and Counsyl).